The following is an entry in ClinVar:

ClinVar aggregate classification (germline): Uncertain significance. Review status: criteria provided, multiple submitters, no conflicts (2 of 4 stars). 2 submissions from 2 submitters: Uncertain significance (2). Last evaluated 2024-12-01.

Conditions:
Pancreatic adenocarcinoma. Identifiers: MedGen C0281361, MONDO:0006047, HP:0006725.

Allele frequency attached by ClinVar (database versions not stated): gnomAD exomes below 0.00001.
gnomAD v4.1: 2 of 1,518,892 alleles (0.00013%); highest among the groups gnomAD compares: Admixed American, 0.004%; no homozygotes.

Submissions (2):

Ambry Genetics
Classification: Uncertain significance. Last evaluated: 2024-12-01. Review status: criteria provided, single submitter. Criteria: Ambry Variant Classification Scheme 2023. Collection method: clinical testing. Allele origin: germline.
Comment: The p.P115S variant (also known as c.343C>T), located in coding exon 1 of the PALLD gene, results from a C to T substitution at nucleotide position 343. The proline at codon 115 is replaced by serine, an amino acid with similar properties. This amino acid position is conserved. In addition, this alteration is predicted to be tolerated by in silico analysis. Based on the available evidence, the clinical significance of this variant remains unclear.

Labcorp Genetics (formerly Invitae), Labcorp
Classification: Uncertain significance for Pancreatic adenocarcinoma. Last evaluated: 2022-10-26. Review status: criteria provided, single submitter. Criteria: Invitae Variant Classification Sherloc (09022015). Collection method: clinical testing. Allele origin: germline.
Comment: This sequence change replaces proline, which is neutral and non-polar, with serine, which is neutral and polar, at codon 115 of the PALLD protein (p.Pro115Ser). This variant is present in population databases (no rsID available, gnomAD 0.009%). This variant has not been reported in the literature in individuals affected with PALLD-related conditions. Algorithms developed to predict the effect of missense changes on protein structure and function are either unavailable or do not agree on the potential impact of this missense change (SIFT: "Deleterious"; PolyPhen-2: "Benign"; Align-GVGD: "Class C65"). In summary, the available evidence is currently insufficient to determine the role of this variant in disease. Therefore, it has been classified as a Variant of Uncertain Significance.

NM_001166108.2(PALLD):c.1965-12688C>T

Gene: PALLD (palladin, cytoskeletal associated protein; plus strand). Cytogenetic location: 4q32.3.
Variant type: single nucleotide variant.
Coding change: c.1965-12688C>T on transcript NM_001166108.2 (MANE Select); 12688 bases into the intron before coding-DNA position 1965, C replaced by T.
Molecular consequence: intron variant. On other transcripts: missense variant (1).
Genome position (GRCh38, 1-based): chr4:168,878,234, C>T. VCF-style: chr4-168878234-C-T. GRCh37 (hg19) VCF-style: chr4-169799385-C-T.
Other names: c.343C>T (NM_001166110.1); c.343C>T, p.Pro115Ser (NM_001166110.2); c.1965-12688C>T (NM_016081.4); c.819-12688C>T (NM_001166109.2); c.-157-12688C>T (NM_001367570.1, NM_001367568.1, NM_001367567.1 and 1 more transcripts); short protein forms P115S.
Identifiers: ClinVar variation 2069167 (VCV002069167.5), dbSNP rs1483951042, ClinGen allele CA358796398.
Genomic context (GRCh38, chr4:168,878,234, plus strand): 5'-GTCTTCAGCCCCACGGCTGCCTTCCCGGTGCCCGACGTGTTCCCACTGCCGCCGCCACCA[C>T]CGCCGCTCCCGAGCCCGGGACAGGCGTCCCACTGCTCGTCGCCTGCCACCCGCTTCGGCC-3'